The following is an entry in ClinVar:

NM_001367943.1(TCF7L2):c.1156C>T (p.Arg386Trp)

Gene: TCF7L2 (transcription factor 7 like 2; plus strand). Cytogenetic location: 10q25.3.
Variant type: single nucleotide variant.
Coding change: c.1156C>T on transcript NM_001367943.1 (MANE Select); coding-DNA position 1156, C replaced by T.
Protein change: p.Arg386Trp; replaces arginine 386 with tryptophan.
Molecular consequence: missense variant.
Genome position (GRCh38, 1-based): chr10:113,151,879, C>T. VCF-style: chr10-113151879-C-T. GRCh37 (hg19) VCF-style: chr10-114911638-C-T.
Other names: p.(Arg386Trp); c.1156C>T, p.Arg386Trp (NM_001146274.2, NM_001198531.2, NM_001363501.2); c.1228C>T, p.Arg410Trp (NM_001146283.2); c.1075C>T, p.Arg359Trp (NM_001146284.2, NM_001198527.2); c.1087C>T, p.Arg363Trp (NM_001146285.2, NM_001146286.2, NM_001198526.2 and 3 more transcripts); c.1102C>T, p.Arg368Trp (NM_001198525.2); c.985C>T, p.Arg329Trp (NM_001198530.2); c.727C>T, p.Arg243Trp (NM_001349870.2); and 1 more; short protein forms R203W, R243W, R329W, R359W, R363W, R368W, R386W, R410W.
Identifiers: ClinVar variation 3391520 (VCV003391520.2).
Genomic context (GRCh38, chr10:113,151,879, plus strand): 5'-GCAAAGGTCGTAGCTGAGTGCACGTTGAAAGAAAGCGCGGCCATCAACCAGATCCTTGGG[C>T]GGAGGGTAGGTGACGCCCTTCTCAGGGAGAAGCGGGGGGCGGGTGGTGAGGGACCAGAGT-3'
Protein context (NP_001354872.1, residues 376-396): ESAAINQILG[Arg386Trp]RWHALSREEQ

ClinVar aggregate classification (germline): Likely pathogenic (1 of 4 stars; one submission).

gnomAD v4.1: 2 of 1,583,708 alleles (0.00013%); highest among the groups gnomAD compares: African/African-American, 0.0014%; no homozygotes.

Submission:

GeneDx
Classification: Likely pathogenic. Last evaluated: 2026-01-03. Review status: criteria provided, single submitter. Criteria: GeneDx Variant Classification Process June 2021. Collection method: clinical testing. Allele origin: germline.
Comment: In silico analysis supports that this missense variant has a deleterious effect on protein structure/function; Has not been previously reported as pathogenic or benign in association with TCF7L2-related disorders to our knowledge; This variant is associated with the following publications: (PMID: 29184442)